The following is an entry in ClinVar:

NM_001199397.3(NEK1):c.2725T>A (p.Ser909Thr)

Gene: NEK1 (NIMA related kinase 1; minus strand). Cytogenetic location: 4q33.
Variant type: single nucleotide variant.
Coding change: c.2725T>A on transcript NM_001199397.3 (MANE Select); coding-DNA position 2725, T replaced by A.
Protein change: p.Ser909Thr; replaces serine 909 with threonine.
Molecular consequence: missense variant. On other transcripts: non-coding transcript variant (1), intron variant (1).
Genome position (GRCh38, 1-based): chr4:169,438,122, A>T on the plus strand (T>A on the coding strand, the complement: NEK1 is on the minus strand). VCF-style: chr4-169438122-A-T. GRCh37 (hg19) VCF-style: chr4-170359273-A-T.
Other names: c.2593T>A, p.Ser865Thr (NM_001199398.3); c.2434T>A, p.Ser812Thr (NM_001199399.3); c.2509T>A, p.Ser837Thr (NM_001199400.3); c.2725T>A, p.Ser909Thr (NM_001374418.1); c.2641T>A, p.Ser881Thr (NM_001374419.1, NM_012224.4); c.2590T>A, p.Ser864Thr (NM_001374420.1); c.2282-4457T>A (NM_001374421.1); short protein forms S865T, S881T, S812T, S909T, S837T, S864T.
Identifiers: ClinVar variation 1976795 (VCV001976795.5), dbSNP rs768015432, ClinGen allele CA3137350.

ClinVar aggregate classification (germline): Uncertain significance (1 of 4 stars; one submission).

Conditions:
Short-rib thoracic dysplasia 6 with or without polydactyly (SRTD6). Also called: Majewski Syndrome; SHORT-RIB THORACIC DYSPLASIA 6 WITH POLYDACTYLY; SHORT-RIB THORACIC DYSPLASIA 6 WITHOUT POLYDACTYLY; SHORT RIB-POLYDACTYLY SYNDROME, TYPE IIA; POLYDACTYLY WITH NEONATAL CHONDRODYSTROPHY, TYPE II. Identifiers: MedGen C0024507, MONDO:0009894, OMIM 263520.

Allele frequency attached by ClinVar (database versions not stated): ExAC 0.00001; gnomAD 0.00001; TOPMed 0.00002.
gnomAD v4.1: 31 of 1,612,378 alleles (0.0019%); highest among the groups gnomAD compares: Non-Finnish European, 0.0022%; no homozygotes.

Submission:

Labcorp Genetics (formerly Invitae), Labcorp
Classification: Uncertain significance for Short-rib thoracic dysplasia 6 with or without polydactyly. Last evaluated: 2025-06-09. Review status: criteria provided, single submitter. Criteria: Invitae Variant Classification Sherloc (09022015). Collection method: clinical testing. Allele origin: germline.
Comment: This sequence change replaces serine, which is neutral and polar, with threonine, which is neutral and polar, at codon 881 of the NEK1 protein (p.Ser881Thr). This variant is present in population databases (rs768015432, gnomAD 0.003%). This variant has not been reported in the literature in individuals affected with NEK1-related conditions. ClinVar contains an entry for this variant (Variation ID: 1976795). Invitae Evidence Modeling of protein sequence and biophysical properties (such as structural, functional, and spatial information, amino acid conservation, physicochemical variation, residue mobility, and thermodynamic stability) indicates that this missense variant is not expected to disrupt NEK1 protein function with a negative predictive value of 80%. In summary, the available evidence is currently insufficient to determine the role of this variant in disease. Therefore, it has been classified as a Variant of Uncertain Significance.